The following continues an entry in ClinVar:

NM_000142.5(FGFR3):c.1949A>C (p.Lys650Thr)

Gene: FGFR3. ClinVar aggregate classification (germline): Pathogenic. Pathogenic (13).

Submissions 10 to 14 of 14:

Victorian Clinical Genetics Services, Murdoch Childrens Research Institute
Classification: Pathogenic for FGFR3-related chondrodysplasia. Last evaluated: 2023-12-21. Review status: criteria provided, single submitter. Criteria: ACMG Guidelines, 2015. Collection method: clinical testing. Allele origin: germline. Inheritance: Autosomal dominant inheritance. Affected: yes.
Comment: Based on the classification scheme VCGS_Germline_v1.3.4, this variant is classified as Pathogenic. Following criteria are met: 0101 - Gain of function is a known mechanism of disease in this gene and is associated with autosomal dominant skeletal dysplasias (OMIM). Additionally, autosomal recessive and dominant CATSHL syndrome (MIM#610474), is suspected to be due to variants with a loss of function, and dominant negative mechanism, respectively (PMIDs: 25614871, 24864036). (I) 0108 - This gene is associated with both recessive and dominant disease (OMIM). (I) 0112 - The condition associated with this gene has incomplete penetrance. Individuals with Muenke syndrome have been shown to inherit pathogenic variants from an asymptomatic parent (PMIDs: 26740388, 18000976). (I) 0115 - Variants in this gene are known to have variable expressivity. There is a wide range of clinical symptoms with variable expressivity in LADD and Muenke syndrome patients, even within the same family (PMIDs: 26740388, 16501574). (I) 0200 - Variant is predicted to result in a missense amino acid change from lysine to threonine. (I) 0251 - This variant is heterozygous. (I) 0302 - Variant is present in gnomAD (v3) <0.001 for a dominant condition (1 heterozygote, 0 homozygotes). (SP) 0309 - Multiple alternative amino acid changes at the same position have been observed in gnomAD (v2) (highest allele count: 1 heterozygote, 0 homozygotes). (I) 0501 - Missense variant consistently predicted to be damaging by multiple in silico tools or highly conserved with a major amino acid change. (SP) 0600 - Variant is located in the annotated protein tyrosine and serine/threonine kinase domain (DECIPHER). (I) 0701 - Other missense variants comparable to the one identified in this case have very strong previous evidence for pathogenicity. Four alternative amino acid changes at this residue have been classified as pathogenic/likely pathogenic by multiple clinical laboratories in ClinVar. (SP) 0801 - This variant has strong previous evidence of pathogenicity in unrelated individuals. This variant has been classified as pathogenic by multiple clinical laboratories in ClinVar, and observed in multiple families with acanthosis nigricans with or without hypochondroplasia in the literature (PMID: 30635042). (SP) 1208 - Inheritance information for this variant is not currently available in this individual. (I) Legend: (SP) - Supporting pathogenic, (I) - Information, (SB) - Supporting benign

Institute of Medical Genetics and Applied Genomics, University Hospital Tübingen
Classification: Pathogenic. Last evaluated: 2021-06-17. Review status: criteria provided, single submitter. Criteria: ACMG Guidelines, 2015. Collection method: clinical testing. Allele origin: germline. Inheritance: Autosomal dominant inheritance. Affected: yes.

Breda Genetics srl
Classification: Pathogenic for FGFR3-related disorder. Last evaluated: 2020-03-23. Review status: criteria provided, single submitter. Criteria: ACMG Guidelines, 2015. Collection method: clinical testing. Allele origin: germline. Inheritance: Autosomal dominant inheritance. Affected: yes. Observed: 1 variant allele, 1 heterozygote.
Comment: The variant c.1955A>C (p.Lys652Thr), also known as p.Lys650Thr, is reported as pathogenic for FGFR3 related disorders in ClinVar (Variation ID: 65855) There is no information on frequency in gnomAD, 1000 Genomes or NHLI Exome Sequencing Project (ESP). The nucleotide position is moderately conserved across 35 mammalian species (GERP RS: 3.12). The variant has been firstly reported by Berk et al. in a familial case of acanthosis nigricans associated with slightly short stature, without other anomalies (Berk et al., 2007, PMID: 17875876). Later, the same mutation has been described in a familial case of hypochondroplasia (HCH) and acanthosis nigricans (AN) by Castro-FeijoÂ´o et al. (2008). Cossiez Cacard et al. (2016) found this mutation in a family with AN associated with hypochondroplasia. Codon 650 of FGFR3 is located in the tyrosine kinase domain II. Mutations of this codon have been reported in skeletal disorders including hypochondroplasia (p.Lys650Asn and p.Lys650Gln), SADDAN syndrome (p.Lys650Met), thanatophoric dysplasia type I (p.Lys650Met), and thanatophoric dysplasia type II (p.Lys650Glu) (Berk et al., 2007, PMID: 17875876).

Fulgent Genetics
Classification: Pathogenic for Achondroplasia; Malignant tumor of urinary bladder; Colorectal cancer; Hypochondroplasia; LADD syndrome 1; Epidermal nevus; Thanatophoric dysplasia type 1; Thanatophoric dysplasia, type 2; Germ cell tumor of testis; Muenke syndrome; Cervical cancer; Camptodactyly-tall stature-scoliosis-hearing loss syndrome; Crouzon syndrome-acanthosis nigricans syndrome; Severe achondroplasia-developmental delay-acanthosis nigricans syndrome. Last evaluated: 2018-10-31. Review status: criteria provided, single submitter. Criteria: ACMG Guidelines, 2015. Collection method: clinical testing. Allele origin: unknown.

GeneReviews
No classification provided. Condition: Hypochondroplasia. Review status: no classification provided. Collection method: literature only. Allele origin: germline. Not counted in ClinVar's aggregate classification.
Comment: Greater likelihood of developing acanthosis nigricans [Berk et al 2010, Blomberg et al 2010]

Literature cited by the submitters: PubMed 30635042 (cited by Clinical Biomedical Laboratory, Shriners Hospital For Children - Canada and Victorian Clinical Genetics Services, Murdoch Childrens Research Institute); PubMed 17875876 (cited by Labcorp Genetics (formerly Invitae), Labcorp and 3billion); PubMed 18583390 (cited by Labcorp Genetics (formerly Invitae), Labcorp); PubMed 25809207 (cited by Labcorp Genetics (formerly Invitae), Labcorp); PubMed 26818779 (cited by Labcorp Genetics (formerly Invitae), Labcorp); PubMed 11055896 (cited by Labcorp Genetics (formerly Invitae), Labcorp); PubMed 25614871 (cited by 3billion and Victorian Clinical Genetics Services, Murdoch Childrens Research Institute); PubMed 10671061 (cited by 3billion); PubMed 16501574 (cited by Victorian Clinical Genetics Services, Murdoch Childrens Research Institute); PubMed 18000976 (cited by Victorian Clinical Genetics Services, Murdoch Childrens Research Institute); PubMed 24864036 (cited by Victorian Clinical Genetics Services, Murdoch Childrens Research Institute); PubMed 26740388 (cited by Victorian Clinical Genetics Services, Murdoch Childrens Research Institute); PubMed 21510009 (cited by GeneReviews); PubMed 20453470 (cited by GeneReviews); NCBI Bookshelf NBK1477 (cited by GeneReviews).